The following is an entry in ClinVar:

NM_001372066.1(TFAP2A):c.356A>T (p.Gln119Leu)

Gene: TFAP2A (transcription factor AP-2 alpha; minus strand). Cytogenetic location: 6p24.3.
Variant type: single nucleotide variant.
Coding change: c.356A>T on transcript NM_001372066.1 (MANE Select); coding-DNA position 356, A replaced by T.
Protein change: p.Gln119Leu; replaces glutamine 119 with leucine.
Molecular consequence: missense variant.
Genome position (GRCh38, 1-based): chr6:10,410,031, T>A on the plus strand (A>T on the coding strand, the complement: TFAP2A is on the minus strand). VCF-style: chr6-10410031-T-A. GRCh37 (hg19) VCF-style: chr6-10410264-T-A.
Other names: c.332A>T, p.Gln111Leu (NM_001032280.3); c.338A>T, p.Gln113Leu (NM_001042425.3); short protein forms Q111L, Q119L, Q113L.
Identifiers: ClinVar variation 4776536 (VCV004776536.1).
Genomic context (GRCh38, chr6:10,410,031, plus strand): 5'-GGGCCGTGCAGGAGGTCCTCGTGCCGCCTGTAGTCCCTGCGAGGATCCAGGCCCGACAGC[T>A]GGTGAGGCAGCCCCCGGTGCGTGTGCAGGAGCCCAGACTCCTGGCTCTGCCTCTGGCCGG-3'
Protein context (NP_001358995.1, residues 109-129): LLHTHRGLPH[Gln119Leu]LSGLDPRRDY

ClinVar aggregate classification (germline): Uncertain significance (1 of 4 stars; one submission).

Submission:

Labcorp Genetics (formerly Invitae), Labcorp
Classification: Uncertain significance. Last evaluated: 2025-11-30. Review status: criteria provided, single submitter. Criteria: Invitae Variant Classification Sherloc (09022015). Collection method: clinical testing. Allele origin: germline.
Comment: This sequence change replaces glutamine, which is neutral and polar, with leucine, which is neutral and non-polar, at codon 117 of the TFAP2A protein (p.Gln117Leu). This variant is not present in population databases (gnomAD no frequency). This variant has not been reported in the literature in individuals affected with TFAP2A-related conditions. Invitae Evidence Modeling of protein sequence and biophysical properties (such as structural, functional, and spatial information, amino acid conservation, physicochemical variation, residue mobility, and thermodynamic stability) indicates that this missense variant is not expected to disrupt TFAP2A protein function with a negative predictive value of 80%. In summary, the available evidence is currently insufficient to determine the role of this variant in disease. Therefore, it has been classified as a Variant of Uncertain Significance.